The following is an entry in ClinVar:

NM_000843.4(GRM6):c.65C>T (p.Ala22Val)

Gene: GRM6 (glutamate metabotropic receptor 6; minus strand). Cytogenetic location: 5q35.3.
Variant type: single nucleotide variant.
Coding change: c.65C>T on transcript NM_000843.4 (MANE Select); coding-DNA position 65, C replaced by T.
Protein change: p.Ala22Val; replaces alanine 22 with valine.
Molecular consequence: missense variant.
Genome position (GRCh38, 1-based): chr5:178,994,880, G>A on the plus strand (C>T on the coding strand, the complement: GRM6 is on the minus strand). VCF-style: chr5-178994880-G-A. GRCh37 (hg19) VCF-style: chr5-178421881-G-A.
Other names: short protein forms A22V.
Identifiers: ClinVar variation 2108822 (VCV002108822.4), dbSNP rs1760746312, ClinGen allele CA362437138.
Genomic context (GRCh38, chr5:178,994,880, plus strand): 5'-CCCAGCGTCAGGCCGCCCGCCAGGCGCACAGAGCCCGCCGCGCGCGCCAGGCCCGCCTGC[G>A]CCAGCCACGCCAGCGGCAGCAGCGCCACGAGCAGCGGCTCCCGGGCTCTCCGGGGCCGCG-3'
Protein context (NP_000834.2, residues 12-32): LVALLPLAWL[Ala22Val]QAGLARAAGS

ClinVar aggregate classification (germline): Uncertain significance (1 of 4 stars; one submission).

Allele frequency attached by ClinVar (database versions not stated): gnomAD exomes below 0.00001.
gnomAD v4.1: 1 of 1,203,566 alleles (0.000083%); no homozygotes.

Submission:

Labcorp Genetics (formerly Invitae), Labcorp
Classification: Uncertain significance. Last evaluated: 2021-12-06. Review status: criteria provided, single submitter. Criteria: Invitae Variant Classification Sherloc (09022015). Collection method: clinical testing. Allele origin: germline.
Comment: In summary, the available evidence is currently insufficient to determine the role of this variant in disease. Therefore, it has been classified as a Variant of Uncertain Significance. Advanced modeling of protein sequence and biophysical properties (such as structural, functional, and spatial information, amino acid conservation, physicochemical variation, residue mobility, and thermodynamic stability) performed at Invitae indicates that this missense variant is not expected to disrupt GRM6 protein function. This variant has not been reported in the literature in individuals affected with GRM6-related conditions. This variant is not present in population databases (gnomAD no frequency). This sequence change replaces alanine, which is neutral and non-polar, with valine, which is neutral and non-polar, at codon 22 of the GRM6 protein (p.Ala22Val).